The following is an entry in ClinVar:

ClinVar aggregate classification (germline): Uncertain significance (1 of 4 stars; one submission).

gnomAD v4.1: 2 of 1,612,986 alleles (0.00012%); highest among the groups gnomAD compares: Non-Finnish European, 0.00017%; no homozygotes.

Submission:

Labcorp Genetics (formerly Invitae), Labcorp
Classification: Uncertain significance. Last evaluated: 2022-12-01. Review status: criteria provided, single submitter. Criteria: Invitae Variant Classification Sherloc (09022015). Collection method: clinical testing. Allele origin: germline.
Comment: In summary, the available evidence is currently insufficient to determine the role of this variant in disease. Therefore, it has been classified as a Variant of Uncertain Significance. Algorithms developed to predict the effect of missense changes on protein structure and function are either unavailable or do not agree on the potential impact of this missense change (SIFT: "Deleterious"; PolyPhen-2: "Probably Damaging"; Align-GVGD: "Class C0"). This variant has not been reported in the literature in individuals affected with RELB-related conditions. This variant is not present in population databases (gnomAD no frequency). This sequence change replaces glycine, which is neutral and non-polar, with glutamic acid, which is acidic and polar, at codon 36 of the RELB protein (p.Gly36Glu).

NM_006509.4(RELB):c.107G>A (p.Gly36Glu)

Gene: RELB (RELB proto-oncogene, NF-kB subunit; plus strand). Cytogenetic location: 19q13.32.
Variant type: single nucleotide variant.
Coding change: c.107G>A on transcript NM_006509.4 (MANE Select); coding-DNA position 107, G replaced by A.
Protein change: p.Gly36Glu; replaces glycine 36 with glutamic acid.
Molecular consequence: missense variant.
Genome position (GRCh38, 1-based): chr19:45,002,949, G>A. VCF-style: chr19-45002949-G-A. GRCh37 (hg19) VCF-style: chr19-45506207-G-A.
Other names: c.107G>A, p.Gly36Glu (NM_001411087.1); short protein forms G36E.
Identifiers: ClinVar variation 2817720 (VCV002817720.3), dbSNP rs754937434, ClinGen allele CA406320306.
Genomic context (GRCh38, chr19:45,002,949, plus strand): 5'-TATTCTCTGGTCCTCTGGCTGCCCCCCATCACCTCCTGAGACGTTTCTCCTTCTCTGCAG[G>A]GTCCCCCGACCTCTCCTCACTCTCGCTCGCCGTTTCCAGGAGCACAGGTGAGCAGCCCTC-3'
Protein context (NP_006500.2, residues 26-46): PPAAPELGAL[Gly36Glu]SPDLSSLSLA